The following is an entry in ClinVar:

ClinVar aggregate classification (germline): Conflicting classifications of pathogenicity. Review status: criteria provided, conflicting classifications (1 of 4 stars). 2 submissions from 2 submitters: Uncertain significance (1); Likely benign (1). Last evaluated 2026-02-12.

Conditions:
Ichthyosis linearis circumflexa. Identifiers: MedGen C0265962, MONDO:0043106, HP:0025810.

Submissions (2):

Women's Health and Genetics/Laboratory Corporation of America, LabCorp
Classification: Likely benign. Last evaluated: 2026-02-12. Review status: criteria provided, single submitter. Criteria: LabCorp Variant Classification Summary - May 2015. Collection method: clinical testing. Allele origin: germline.
Comment: Variant summary: SPINK5 c.795-16_795-13delATTT alters a nucleotide located at a position not widely known to affect splicing. Consensus agreement among computation tools predict no significant impact on normal splicing. However, these predictions have yet to be confirmed by functional studies. The variant allele was found at a frequency of 8e-06 in 248598 control chromosomes. The available data on variant occurrences in the general population are insufficient to allow any conclusion about variant significance. To our knowledge, no occurrence of c.795-16_795-13delATTT in individuals affected with SPINK5-related conditions and no experimental evidence demonstrating its impact on protein function have been reported. No submitters have cited clinical-significance assessments for this variant to ClinVar. Based on the evidence outlined above, the variant was classified as likely benign.

Labcorp Genetics (formerly Invitae), Labcorp
Classification: Uncertain significance for Ichthyosis linearis circumflexa. Last evaluated: 2025-06-04. Review status: criteria provided, single submitter. Criteria: Invitae Variant Classification Sherloc (09022015). Collection method: clinical testing. Allele origin: germline.
Comment: This sequence change falls in intron 9 of the SPINK5 gene. It does not directly change the encoded amino acid sequence of the SPINK5 protein. This variant is present in population databases (rs751037302, gnomAD 0.006%). This variant has not been reported in the literature in individuals affected with SPINK5-related conditions. Algorithms developed to predict the effect of sequence changes on RNA splicing suggest that this variant may disrupt the consensus splice site. In summary, the available evidence is currently insufficient to determine the role of this variant in disease. Therefore, it has been classified as a Variant of Uncertain Significance.

NM_006846.4(SPINK5):c.795-16_795-13del

Gene: SPINK5 (serine peptidase inhibitor Kazal type 5; plus strand). Cytogenetic location: 5q32.
Variant type: Microsatellite.
Coding change: c.795-16_795-13del on transcript NM_006846.4 (MANE Select); 16 bases into the intron before coding-DNA position 795 through 13 bases into the intron before coding-DNA position 795, 4 bases deleted (ATTT; older notation c.795-16_795-13delATTT).
Molecular consequence: intron variant.
Genome position (GRCh38, 1-based): chr5:148,095,802-148,095,805, ATTT deleted; deleting any 4 consecutive bases within chr5:148,095,798-148,095,805 gives the same sequence; the c. name uses the placement nearest the transcript's 3' end. VCF-style (leftmost placement, unchanged base first): chr5-148095797-CATTT-C. GRCh37 (hg19) VCF-style: chr5-147475360-CATTT-C.
Other names: c.795-16_795-13delATTT (NM_001127698.2); c.795-16_795-13del (NM_001127698.2, NM_001127699.2).
Identifiers: ClinVar variation 4751041 (VCV004751041.2).